The following is an entry in ClinVar:

ClinVar aggregate classification (germline): Likely pathogenic. Review status: criteria provided, multiple submitters, no conflicts (2 of 4 stars). 5 submissions from 5 submitters: Likely pathogenic (5). Last evaluated 2025-10-16.

Conditions:
PEX6-related disorder. Also called: PEX6-related disorders; PEX6-related condition.
Peroxisome biogenesis disorder 4A (Zellweger) (PBD4A). Also called: Zellweger syndrome spectrum (PEX6-related). Identifiers: Orphanet 912, MedGen C3553936, MONDO:0013930, OMIM 614862. Disease mechanism: loss of function.
Peroxisome biogenesis disorder 4B (PBD4B). Also called: SPINOCEREBELLAR ATAXIA WITH BLINDNESS AND DEAFNESS 1. Identifiers: Orphanet 44, Orphanet 95433, MedGen C3553937, MONDO:0013931, OMIM 614863.
Heimler syndrome 2 (HMLR2). Also called: PEROXISOME BIOGENESIS DISORDER 4C. Identifiers: Orphanet 3220, MedGen C4225267, OMIM 616617, MONDO:0014709.
Zellweger spectrum disorders (ZS). Also called: Zellweger Spectrum Disorder; Zellweger Spectrum; Zellweger Spectrum Disorder (ZSD); Zellweger syndrome. Identifiers: Orphanet 912, MedGen C0043459, MONDO:0019609.

Submissions (5):

Natera, Inc.
Classification: Likely pathogenic for Zellweger syndrome. Last evaluated: 2025-10-16. Review status: criteria provided, single submitter. Criteria: Natera Variant Classification Schema (03/2026). Collection method: clinical testing. Allele origin: germline.
Comment: The c.170T>C variant in PEX6 is a missense variant predicted to cause substitution of leucine to proline at amino acid 57. This variant is rare in the general population with a frequency below the threshold expected for the associated phenotype(s). This variant has been observed in one or more individuals affected with the associated recessive disease, as either homozygous or compound heterozygous with a second variant (PMID: 19877282, 11004248). This variant has been identified in one or more affected individuals with a phenotype highly consistent with the associated gene (PMID:19877282). Computational prediction algorithms indicate this variant is likely to affect gene or protein function. Given the available evidence, this variant is classified as Likely Pathogenic.

Fulgent Genetics
Classification: Likely pathogenic for Peroxisome biogenesis disorder 4A (Zellweger); Peroxisome biogenesis disorder 4B; Heimler syndrome 2. Last evaluated: 2024-02-04. Review status: criteria provided, single submitter. Criteria: ACMG Guidelines, 2015. Collection method: clinical testing. Allele origin: germline.

PreventionGenetics, part of Exact Sciences
Classification: Likely pathogenic for PEX6-related condition. Last evaluated: 2023-05-24. Review status: criteria provided, single submitter. Criteria: ACMG Guidelines, 2015. Collection method: clinical testing. Allele origin: germline.
Comment: The PEX6 c.170T>C variant is predicted to result in the amino acid substitution p.Leu57Pro. This variant was reported in the homozygous or compound heterozygous state to be causative for peroxisome biogenesis disorder (Imamura et al. 2000. PubMed ID: 11004248; Table S2, Ebberink et al. 2010. PubMed ID: 19877282). Functional studies showed that this variant is a temperature-sensitive variant and may impact protein function (Imamura et al. 2000. PubMed ID: 11004248). This variant has not been reported in a large population database, indicating this variant is rare. This variant is interpreted as likely pathogenic.

Baylor Genetics
Classification: Likely pathogenic for Heimler syndrome 2. Last evaluated: 2022-09-26. Review status: criteria provided, single submitter. Criteria: ACMG Guidelines, 2015. Collection method: clinical testing. Allele origin: unknown.

Illumina Laboratory Services, Illumina
Classification: Likely pathogenic for Peroxisome biogenesis disorder 4A (Zellweger). Last evaluated: 2017-10-24. Review status: criteria provided, single submitter. Criteria: ICSL Variant Classification Criteria 09 May 2019. Collection method: clinical testing. Allele origin: germline.
Comment: The PEX6 c.170T>C (p.Leu57Pro) missense variant has been reported in at least two studies in a homozygous state in two patients with possible Zellweger syndrome and in a compound heterozygous state in one patient (Imamura et al. 2000; Ebberink et al. 2010). This variant was absent from 200 control chromosomes and is not found in the 1000 Genomes Project, Exome Sequencing Project, Exome Aggregation Consortium, or Genome Aggregation Database. Patient fibroblasts showed a decrease in peroxisomes at 37Â°C (5% of wildtype) and at 30Â°C (40% of wildtype). In CHO cells transfected with p.Leu57Pro variant PEX6, similar results were observed. The activity of enzymes involved in beta-oxidation and plasmalogen synthesis was elevated in patient fibroblasts and in CHO cells compared to controls. Taken together, the authors suggest that the p.Leu57Pro variant may result in faulty peroxisome assembly (Imamura et al. 2000). Based on the collective evidence, the p.Leu57Pro variant is classified as likely pathogenic for Zellweger syndrome. This variant was observed by ICSL as part of a predisposition screen in an ostensibly healthy population.

Literature cited by the submitters: PubMed 19877282 (cited by Natera, Inc. and Illumina Laboratory Services, Illumina); PubMed 11004248 (cited by Natera, Inc. and Illumina Laboratory Services, Illumina).

NM_000287.4(PEX6):c.170T>C (p.Leu57Pro)

Gene: PEX6 (peroxisomal biogenesis factor 6; minus strand). Cytogenetic location: 6p21.1.
Variant type: single nucleotide variant.
Coding change: c.170T>C on transcript NM_000287.4 (MANE Select); coding-DNA position 170, T replaced by C.
Protein change: p.Leu57Pro; replaces leucine 57 with proline.
Molecular consequence: missense variant. On other transcripts: non-coding transcript variant (1).
Genome position (GRCh38, 1-based): chr6:42,978,981, A>G on the plus strand (T>C on the coding strand, the complement: PEX6 is on the minus strand). VCF-style: chr6-42978981-A-G. GRCh37 (hg19) VCF-style: chr6-42946719-A-G.
Other names: c.170T>C, p.Leu57Pro (NM_001316313.2); short protein forms L57P.
Identifiers: ClinVar variation 631980 (VCV000631980.8), dbSNP rs61752140, ClinGen allele CA138238675.